The following continues an entry in ClinVar:

NM_000512.5(GALNS):c.1156C>T (p.Arg386Cys)

Gene: GALNS. ClinVar aggregate classification (germline): Pathogenic/Likely pathogenic. Pathogenic (13); Likely pathogenic (3).

Submissions 11 to 19 of 19:

GeneDx
Classification: Pathogenic. Last evaluated: 2022-02-07. Review status: criteria provided, single submitter. Criteria: GeneDx Variant Classification Process June 2021. Collection method: clinical testing. Allele origin: germline. Affected: yes.
Comment: In silico analysis supports that this missense variant has a deleterious effect on protein structure/function; This variant is associated with the following publications: (PMID: 15309681, 23401410, 25287660, 15241807, 10814710, 23876334, 15235041, 25137622, 12442278, 26502894, 7795586, 8829629, 24726177, 16287098, 22940367, 30927141, 34426522, 31589614, 34896230, 33636292, 9375852, 9298823, 34504088)

Genome-Nilou Lab
Classification: Likely pathogenic for Mucopolysaccharidosis, MPS-IV-A. Last evaluated: 2021-11-07. Review status: criteria provided, single submitter. Criteria: ACMG Guidelines, 2015. Collection method: clinical testing. Allele origin: germline. Affected: no.

Laboratory of Diagnosis and Therapy of Lysosomal Disorders, University of Padova
Classification: Pathogenic for Mucopolysaccharidosis, MPS-IV-A. Last evaluated: 2021-02-01. Review status: criteria provided, single submitter. Criteria: ACMG Guidelines, 2015. Collection method: research. Allele origin: germline. Affected: yes.
Comment: De novo (both maternity and paternity confirmed) in a patient with the disease and no family history (PS2_strong); in vitro and in vivo functional studies supportive of a damaging effect on the gene product (low to null enzymatic activity in homozygotes; low to null in vitro enzymatic activity; PS3_strong); the prevalence of the variant in affected individuals is significantly increased compared with the prevalence in controls (PS4_strong); very low frequency in gnomAD v2.1.1 (PM2_moderate); cosegregation with disease in multiple affected family members in a gene definitively known to cause the disease (PP1_supporting); multiple lines of computational evidence support a deleterious effect on the gene (PP3_supporting)

Baylor Genetics
Classification: Pathogenic for Mucopolysaccharidosis, MPS-IV-A. Last evaluated: 2018-03-01. Review status: criteria provided, single submitter. Criteria: ACMG Guidelines, 2015. Collection method: clinical testing. Allele origin: maternal. Affected: yes.
Comment: This variant was determined to be pathogenic according to ACMG Guidelines, 2015 [PMID:25741868]. This variant has been previously reported as pathogenic [PMID 7795586, 8829629, 25287660, 22940367]

Clinical Genetics DNA and cytogenetics Diagnostics Lab, Erasmus MC, Erasmus Medical Center
Classification: Likely pathogenic for Mucopolysaccharidosis, MPS-IV-A. Last evaluated: 2015-09-21. Review status: criteria provided, single submitter. Criteria: ACGS Guidelines, 2013. Collection method: clinical testing. Allele origin: germline. Affected: yes. Study: VKGL Data-share Consensus.

Eurofins Ntd Llc (ga)
Classification: Pathogenic. Last evaluated: 2014-01-23. Review status: criteria provided, single submitter. Criteria: EGL Classification Definitions. Collection method: clinical testing. Allele origin: germline. Observed: 7 variant alleles, 5 heterozygotes, 2 homozygotes.

OMIM
Classification: Pathogenic for MUCOPOLYSACCHARIDOSIS, TYPE IVA. Last evaluated: 2004-01-01. Review status: no assertion criteria provided. Collection method: literature only. Allele origin: germline. Not counted in ClinVar's aggregate classification.

Diagnostic Laboratory, Department of Genetics, University Medical Center Groningen
Classification: Pathogenic for Mucopolysaccharidosis, MPS-IV-A. Review status: no assertion criteria provided. Collection method: clinical testing. Allele origin: germline. Affected: yes. Study: VKGL Data-share Consensus. Not counted in ClinVar's aggregate classification.

GeneReviews
No classification provided. Condition: Mucopolysaccharidosis, MPS-IV-A. Review status: no classification provided. Collection method: literature only. Allele origin: germline. Not counted in ClinVar's aggregate classification.

Literature cited by the submitters: PubMed 7795586 (cited by 5 submitters); PubMed 9298823 (cited by 4 submitters); PubMed 22976768 (cited by 5 submitters); PubMed 23227063 (cited by 4 submitters); PubMed 24726177 (cited by 4 submitters); PubMed 26147980 (cited by Labcorp Genetics (formerly Invitae), Labcorp and Laboratory of Diagnosis and Therapy of Lysosomal Disorders, University of Padova); PubMed 15309681 (cited by 4 submitters); PubMed 34542925 (cited by Clinical Biomedical Laboratory, Shriners Hospital For Children - Canada); PubMed 9401012 (cited by Women's Health and Genetics/Laboratory Corporation of America, LabCorp); PubMed 8829629 (cited by 3 submitters); PubMed 30927141 (cited by Laboratory for Molecular Medicine, Mass General Brigham Personalized Medicine and Laboratory of Diagnosis and Therapy of Lysosomal Disorders, University of Padova); PubMed 34813777 (cited by Laboratory for Molecular Medicine, Mass General Brigham Personalized Medicine); PubMed 35212421 (cited by Huiwen Zhang's lab, Shanghai Jiao Tong University School of Medicine, Xinhua Hospital); PubMed 34387910 (cited by Huiwen Zhang's lab, Shanghai Jiao Tong University School of Medicine, Xinhua Hospital and Laboratory of Diagnosis and Therapy of Lysosomal Disorders, University of Padova); PubMed 15235041 (cited by Laboratory of Diagnosis and Therapy of Lysosomal Disorders, University of Padova); PubMed 15241807 (cited by Laboratory of Diagnosis and Therapy of Lysosomal Disorders, University of Padova); PubMed 16287098 (cited by Laboratory of Diagnosis and Therapy of Lysosomal Disorders, University of Padova); PubMed 20574428 (cited by Laboratory of Diagnosis and Therapy of Lysosomal Disorders, University of Padova); PubMed 22521955 (cited by Laboratory of Diagnosis and Therapy of Lysosomal Disorders, University of Padova); PubMed 23401410 (cited by Laboratory of Diagnosis and Therapy of Lysosomal Disorders, University of Padova); PubMed 23876334 (cited by Laboratory of Diagnosis and Therapy of Lysosomal Disorders, University of Padova); PubMed 24035930 (cited by Laboratory of Diagnosis and Therapy of Lysosomal Disorders, University of Padova); PubMed 25545067 (cited by Laboratory of Diagnosis and Therapy of Lysosomal Disorders, University of Padova); PubMed 27317439 (cited by Laboratory of Diagnosis and Therapy of Lysosomal Disorders, University of Padova); PubMed 29275451 (cited by Laboratory of Diagnosis and Therapy of Lysosomal Disorders, University of Padova); PubMed 29731656 (cited by Laboratory of Diagnosis and Therapy of Lysosomal Disorders, University of Padova); PubMed 30023300 (cited by Laboratory of Diagnosis and Therapy of Lysosomal Disorders, University of Padova); PubMed 30094185 (cited by Laboratory of Diagnosis and Therapy of Lysosomal Disorders, University of Padova); PubMed 9375852 (cited by Laboratory of Diagnosis and Therapy of Lysosomal Disorders, University of Padova); PubMed 25287660 (cited by Baylor Genetics); PubMed 22940367 (cited by Baylor Genetics); Tomatsu, S., Fukuda, S., Masue, M., Sukegawa, K., Masuno, M., Orii, T. Mucopolysaccharidosis type IVA: characterization and chromosomal localization of N-acetylgalactosamine-6-sulfate sulfatase gene and genetic heterogeneity. (Abstract) Am. J. Hum. Genet. 51 (suppl.): A178, 1992. (cited by OMIM); PubMed 29779902 (cited by GeneReviews); PubMed 23844448 (cited by GeneReviews).